The following is an entry in ClinVar:

NM_033400.3(ZFHX2):c.6841C>T (p.Pro2281Ser)

Genes: THTPA (thiamine triphosphatase; plus strand), ZFHX2 (zinc finger homeobox 2; minus strand). Cytogenetic location: 14q11.2.
Variant type: single nucleotide variant.
Coding change: c.6841C>T on transcript NM_033400.3 (MANE Select); coding-DNA position 6841, C replaced by T.
Protein change: p.Pro2281Ser; replaces proline 2281 with serine.
Molecular consequence: missense variant.
Genome position (GRCh38, 1-based): chr14:23,522,840, G>A on the plus strand (C>T on the coding strand, the complement: ZFHX2 is on the minus strand). VCF-style: chr14-23522840-G-A. GRCh37 (hg19) VCF-style: chr14-23992049-G-A.
Other names: short protein forms P2281S.
Identifiers: ClinVar variation 3768586 (VCV003768586.1).

ClinVar aggregate classification (germline): Uncertain significance (1 of 4 stars; one submission).

gnomAD v4.1: 16 of 1,533,064 alleles (0.001%); highest among the groups gnomAD compares: Non-Finnish European, 0.0014%; no homozygotes.

Submission:

Women's Health and Genetics/Laboratory Corporation of America, LabCorp
Classification: Uncertain significance. Last evaluated: 2025-02-26. Review status: criteria provided, single submitter. Criteria: LabCorp Variant Classification Summary - May 2015. Collection method: clinical testing. Allele origin: germline.
Comment: Variant summary: ZFHX2 c.6841C>T (p.Pro2281Ser) results in a non-conservative amino acid change in the encoded protein sequence. Two of three in-silico tools predict a benign effect of the variant on protein function. The variant allele was found at a frequency of 1e-05 in 1526192 control chromosomes (gnomAD v4.1). This frequency is not higher than the maximum estimated for a pathogenic variant in ZFHX2 causing Indifference to pain, congenital, autosomal dominant, allowing no conclusion about variant significance. To our knowledge, no occurrence of c.6841C>T in individuals affected with Indifference to pain, congenital, autosomal dominant and no experimental evidence demonstrating its impact on protein function have been reported. No submitters have cited clinical-significance assessments for this variant to ClinVar. Based on the evidence outlined above, the variant was classified as uncertain significance.